The following is an entry in ClinVar:

NM_006343.3(MERTK):c.1405G>T (p.Val469Phe)

Gene: MERTK (MER proto-oncogene, tyrosine kinase; plus strand). Cytogenetic location: 2q13.
Variant type: single nucleotide variant.
Coding change: c.1405G>T on transcript NM_006343.3 (MANE Select); coding-DNA position 1405, G replaced by T.
Protein change: p.Val469Phe; replaces valine 469 with phenylalanine.
Molecular consequence: missense variant.
Genome position (GRCh38, 1-based): chr2:111,994,359, G>T. VCF-style: chr2-111994359-G-T. GRCh37 (hg19) VCF-style: chr2-112751936-G-T.
Other names: short protein forms V469F.
Identifiers: ClinVar variation 330755 (VCV000330755.16), dbSNP rs79943145, ClinGen allele CA1831377.
Genomic context (GRCh38, chr2:111,994,359, plus strand): 5'-TCTGTTCAAGTCCACAATGCTACGTGCACAGTGAGGATTGCAGCCGTCACCAGAGGGGGA[G>T]TTGGGCCCTTCAGTGATCCAGTGAAAATATTTATCCCTGCACACGGTGAGAGCTATACCC-3'
Protein context (NP_006334.2, residues 459-479): VRIAAVTRGG[Val469Phe]GPFSDPVKIF

ClinVar aggregate classification (germline): Conflicting classifications of pathogenicity. Review status: criteria provided, conflicting classifications (1 of 4 stars). 4 submissions from 4 submitters: Uncertain significance (3); Likely benign (1). Last evaluated 2023-10-01.

Conditions:
Retinal dystrophy. Also called: Inherited retinal dystrophy. Identifiers: Orphanet 71862, MedGen C0854723, MeSH D058499, MONDO:0019118, HP:0000556.
Retinitis pigmentosa (RP). Identifiers: Orphanet 791, MedGen C0035334, MeSH D012174, MONDO:0019200, OMIM 268000. Inheritance: Autosomal dominant, autosomal recessive and X linked inheritance.

Allele frequency attached by ClinVar (database versions not stated): gnomAD 0.00003; 1000 Genomes Project 30x 0.00047; 1000 Genomes Project 0.00060.
gnomAD v4.1: 72 of 1,614,200 alleles (0.0045%); highest among the groups gnomAD compares: East Asian, 0.16%; no homozygotes.

Submissions (4):

Dept Of Ophthalmology, Nagoya University
Classification: Likely benign for Retinal dystrophy. Last evaluated: 2023-10-01. Review status: criteria provided, single submitter. Criteria: Submitter's publication. Collection method: research. Allele origin: germline. Affected: yes.

Labcorp Genetics (formerly Invitae), Labcorp
Classification: Uncertain significance. Last evaluated: 2022-09-27. Review status: criteria provided, single submitter. Criteria: Invitae Variant Classification Sherloc (09022015). Collection method: clinical testing. Allele origin: germline.
Comment: This sequence change replaces valine, which is neutral and non-polar, with phenylalanine, which is neutral and non-polar, at codon 469 of the MERTK protein (p.Val469Phe). In summary, the available evidence is currently insufficient to determine the role of this variant in disease. Therefore, it has been classified as a Variant of Uncertain Significance. Advanced modeling of protein sequence and biophysical properties (such as structural, functional, and spatial information, amino acid conservation, physicochemical variation, residue mobility, and thermodynamic stability) performed at Invitae indicates that this missense variant is not expected to disrupt MERTK protein function. ClinVar contains an entry for this variant (Variation ID: 330755). This variant has not been reported in the literature in individuals affected with MERTK-related conditions. This variant is present in population databases (rs79943145, gnomAD 0.01%).

Blueprint Genetics
Classification: Uncertain significance. Last evaluated: 2022-09-07. Review status: criteria provided, single submitter. Criteria: ACMG Guidelines, 2015. Collection method: clinical testing. Allele origin: germline.

Illumina Laboratory Services, Illumina
Classification: Uncertain significance for Retinitis pigmentosa. Last evaluated: 2018-01-12. Review status: criteria provided, single submitter. Criteria: ICSL Variant Classification Criteria 13 December 2019. Collection method: clinical testing. Allele origin: germline.